The following is an entry in ClinVar:

NM_007254.4(PNKP):c.1202C>G (p.Ser401Cys)

Gene: PNKP (polynucleotide kinase 3'-phosphatase; minus strand). Cytogenetic location: 19q13.33.
Variant type: single nucleotide variant.
Coding change: c.1202C>G on transcript NM_007254.4 (MANE Select); coding-DNA position 1202, C replaced by G.
Protein change: p.Ser401Cys; replaces serine 401 with cysteine.
Molecular consequence: missense variant.
Genome position (GRCh38, 1-based): chr19:49,861,868, G>C on the plus strand (C>G on the coding strand, the complement: PNKP is on the minus strand). VCF-style: chr19-49861868-G-C. GRCh37 (hg19) VCF-style: chr19-50365125-G-C.
Other names: short protein forms S401C.
Identifiers: ClinVar variation 1022906 (VCV001022906.7), dbSNP rs899556646, ClinGen allele CA309540093.

ClinVar aggregate classification (germline): Uncertain significance (1 of 4 stars; one submission).

Conditions:
Developmental and epileptic encephalopathy, 12 (DEE12). Identifiers: MedGen C3150988, MONDO:0013389, OMIM 613722.

Allele frequency attached by ClinVar (database versions not stated): gnomAD exomes below 0.00001; TOPMed 0.00003; gnomAD 0.00004.
gnomAD v4.1: 7 of 1,591,010 alleles (0.00044%); highest among the groups gnomAD compares: African/African-American, 0.0081%; no homozygotes.

Submission:

Labcorp Genetics (formerly Invitae), Labcorp
Classification: Uncertain significance for Developmental and epileptic encephalopathy, 12. Last evaluated: 2022-11-22. Review status: criteria provided, single submitter. Criteria: Invitae Variant Classification Sherloc (09022015). Collection method: clinical testing. Allele origin: germline.
Comment: ClinVar contains an entry for this variant (Variation ID: 1022906). This variant has not been reported in the literature in individuals affected with PNKP-related conditions. This variant is present in population databases (no rsID available, gnomAD 0.02%). This sequence change replaces serine, which is neutral and polar, with cysteine, which is neutral and slightly polar, at codon 401 of the PNKP protein (p.Ser401Cys). Advanced modeling of protein sequence and biophysical properties (such as structural, functional, and spatial information, amino acid conservation, physicochemical variation, residue mobility, and thermodynamic stability) has been performed at Invitae for this missense variant, however the output from this modeling did not meet the statistical confidence thresholds required to predict the impact of this variant on PNKP protein function. In summary, the available evidence is currently insufficient to determine the role of this variant in disease. Therefore, it has been classified as a Variant of Uncertain Significance.